The following is an entry in ClinVar:

NM_002047.4(GARS1):c.578G>A (p.Gly193Asp)

Gene: GARS1 (glycyl-tRNA synthetase 1; plus strand). Cytogenetic location: 7p14.3.
Variant type: single nucleotide variant.
Coding change: c.578G>A on transcript NM_002047.4 (MANE Select); coding-DNA position 578, G replaced by A.
Protein change: p.Gly193Asp; replaces glycine 193 with aspartic acid.
Molecular consequence: missense variant.
Genome position (GRCh38, 1-based): chr7:30,603,042, G>A. VCF-style: chr7-30603042-G-A. GRCh37 (hg19) VCF-style: chr7-30642658-G-A.
Other names: c.416G>A, p.Gly139Asp (NM_001316772.1); short protein forms G139D, G193D.
Identifiers: ClinVar variation 962962 (VCV000962962.9), dbSNP rs1791411808, ClinGen allele CA367139660.

ClinVar aggregate classification (germline): Uncertain significance (1 of 4 stars; one submission).

Conditions:
Charcot-Marie-Tooth disease type 2. Also called: Charcot-Marie-Tooth type 2. Identifiers: Orphanet 64746, MedGen C0270914, MONDO:0018993.

gnomAD v4.1: 1 of 1,613,078 alleles (0.000062%); highest among the groups gnomAD compares: Non-Finnish European, 0.000085%; no homozygotes.

Submission:

Labcorp Genetics (formerly Invitae), Labcorp
Classification: Uncertain significance for Charcot-Marie-Tooth disease type 2. Last evaluated: 2019-09-29. Review status: criteria provided, single submitter. Criteria: Invitae Variant Classification Sherloc (09022015). Collection method: clinical testing. Allele origin: germline.
Comment: This sequence change replaces glycine with aspartic acid at codon 193 of the GARS protein (p.Gly193Asp). The glycine residue is highly conserved and there is a moderate physicochemical difference between glycine and aspartic acid. This variant is not present in population databases (ExAC no frequency). This variant has not been reported in the literature in individuals with GARS-related conditions. Algorithms developed to predict the effect of missense changes on protein structure and function (SIFT, PolyPhen-2, Align-GVGD) all suggest that this variant is likely to be disruptive, but these predictions have not been confirmed by published functional studies and their clinical significance is uncertain. In summary, the available evidence is currently insufficient to determine the role of this variant in disease. Therefore, it has been classified as a Variant of Uncertain Significance.